The following is an entry in ClinVar:

ClinVar aggregate classification (germline): Uncertain significance (1 of 4 stars; one submission).

Conditions:
Long QT syndrome (LQTS). Identifiers: MedGen C0023976, MeSH D008133, MONDO:0002442. Disease mechanism: loss of function. Inheritance: Various modes of inheritance.

Submission:

Labcorp Genetics (formerly Invitae), Labcorp
Classification: Uncertain significance for Long QT syndrome. Last evaluated: 2021-05-31. Review status: criteria provided, single submitter. Criteria: Invitae Variant Classification Sherloc (09022015). Collection method: clinical testing. Allele origin: germline.
Comment: This sequence change creates a premature translational stop signal (p.Leu933Valfs*4) in the CACNA1C gene. It is expected to result in an absent or disrupted protein product. However, the current clinical and genetic evidence is not sufficient to establish whether loss-of-function variants in CACNA1C cause disease. This variant is not present in population databases (ExAC no frequency). This variant has not been reported in the literature in individuals with CACNA1C-related conditions. In summary, the available evidence is currently insufficient to determine the role of this variant in disease. Therefore, it has been classified as a Variant of Uncertain Significance.

NM_000719.7(CACNA1C):c.2797_2798del (p.Leu933fs)

Gene: CACNA1C (calcium voltage-gated channel subunit alpha1 C; plus strand). Cytogenetic location: 12p13.33.
Variant type: Deletion.
Coding change: c.2797_2798del on transcript NM_000719.7 (MANE Select); coding-DNA positions 2797 to 2798, 2 bases deleted (CT; older notation c.2797_2798delCT).
Protein change: p.Leu933fs; shifts the reading frame from leucine 933.
Molecular consequence: frameshift variant. On other transcripts: intron variant (8).
Genome position (GRCh38, 1-based): chr12:2,597,233-2,597,234, CT deleted; deleting any 2 consecutive bases within chr12:2,597,232-2,597,234 gives the same sequence; the c. name uses the placement nearest the transcript's 3' end. VCF-style (leftmost placement, unchanged base first): chr12-2597231-TTC-T. GRCh37 (hg19) VCF-style: chr12-2706397-TTC-T.
Other names: c.2797_2798del, p.Leu933fs (NM_001129827.2, NM_001167624.3, NM_001167625.2 and 10 more transcripts); c.2794-204_2794-203del (NM_001129840.2, NM_001129836.2, NM_001129841.2 and 5 more transcripts); c.2788_2789del, p.Leu930fs (NM_001129844.2); short protein forms L933fs, L930fs.
Identifiers: ClinVar variation 1371792 (VCV001371792.6), dbSNP rs2153372148, ClinGen allele CA2573148385.